The following is an entry in ClinVar:

ClinVar aggregate classification (germline): Uncertain significance (1 of 4 stars; one submission).

Conditions:
Mitochondrial complex V (ATP synthase) deficiency, nuclear type 2. Also called: Nuclear-Encoded ATPase Deficiency, TMEM70-Related; ENCEPHALOCARDIOMYOPATHY, MITOCHONDRIAL, NEONATAL, DUE TO ATP SYNTHASE DEFICIENCY; MITOCHONDRIAL COMPLEX V (ATP SYNTHASE) DEFICIENCY, TMEM70 TYPE. Identifiers: Orphanet 1194, MedGen C3279699, MONDO:0013546, OMIM 614052.

Allele frequency attached by ClinVar (database versions not stated): gnomAD exomes below 0.00001; ExAC 0.00001; gnomAD 0.00001.
gnomAD v4.1: 15 of 1,614,034 alleles (0.00093%); highest among the groups gnomAD compares: East Asian, 0.0045%; no homozygotes.

Submission:

Labcorp Genetics (formerly Invitae), Labcorp
Classification: Uncertain significance for Mitochondrial complex V (ATP synthase) deficiency, nuclear type 2. Last evaluated: 2022-02-17. Review status: criteria provided, single submitter. Criteria: Invitae Variant Classification Sherloc (09022015). Collection method: clinical testing. Allele origin: germline.
Comment: This sequence change replaces arginine, which is basic and polar, with glutamine, which is neutral and polar, at codon 169 of the TMEM70 protein (p.Arg169Gln). This variant is present in population databases (rs752198525, gnomAD 0.0009%). This variant has not been reported in the literature in individuals affected with TMEM70-related conditions. Algorithms developed to predict the effect of missense changes on protein structure and function are either unavailable or do not agree on the potential impact of this missense change (SIFT: "Tolerated"; PolyPhen-2: "Probably Damaging"; Align-GVGD: "Class C0"). In summary, the available evidence is currently insufficient to determine the role of this variant in disease. Therefore, it has been classified as a Variant of Uncertain Significance.

NM_017866.6(TMEM70):c.506G>A (p.Arg169Gln)

Gene: TMEM70 (transmembrane protein 70; plus strand). Cytogenetic location: 8q21.11.
Variant type: single nucleotide variant.
Coding change: c.506G>A on transcript NM_017866.6 (MANE Select); coding-DNA position 506, G replaced by A.
Protein change: p.Arg169Gln; replaces arginine 169 with glutamine.
Molecular consequence: missense variant. On other transcripts: 3 prime UTR variant (1), non-coding transcript variant (1).
Genome position (GRCh38, 1-based): chr8:73,981,344, G>A. VCF-style: chr8-73981344-G-A. GRCh37 (hg19) VCF-style: chr8-74893579-G-A.
Other names: c.*196G>A (NM_001040613.3); short protein forms R169Q.
Identifiers: ClinVar variation 1407425 (VCV001407425.3), dbSNP rs752198525, ClinGen allele CA4784062.